The following is an entry in ClinVar:

NM_182641.4(BPTF):c.4533C>T (p.Asp1511=)

Gene: BPTF (bromodomain PHD finger transcription factor; plus strand). Cytogenetic location: 17q24.2.
Variant type: single nucleotide variant.
Coding change: c.4533C>T on transcript NM_182641.4 (MANE Select); coding-DNA position 4533, C replaced by T.
Protein change: p.Asp1511=; no amino-acid change (aspartic acid 1511 retained).
Molecular consequence: synonymous variant.
Genome position (GRCh38, 1-based): chr17:67,912,417, C>T. VCF-style: chr17-67912417-C-T. GRCh37 (hg19) VCF-style: chr17-65908533-C-T.
Other names: c.4911C>T, p.Asp1637= (NM_004459.7).
Identifiers: ClinVar variation 2648139 (VCV002648139.25), dbSNP rs2511489818, ClinGen allele CA501695500.

ClinVar aggregate classification (germline): Likely benign. Review status: criteria provided, multiple submitters, no conflicts (2 of 4 stars). 2 submissions from 2 submitters: Likely benign (2). Last evaluated 2023-08-01.

Allele frequency attached by ClinVar (database versions not stated): gnomAD exomes below 0.00001.
gnomAD v4.1: 2 of 1,613,928 alleles (0.00012%); highest among the groups gnomAD compares: Non-Finnish European, 0.00017%; no homozygotes.

Submissions (2):

CeGaT Center for Human Genetics Tuebingen
Classification: Likely benign. Last evaluated: 2023-08-01. Review status: criteria provided, single submitter. Criteria: CeGaT Center For Human Genetics Tuebingen Variant Classification Criteria Version 2. Collection method: clinical testing. Allele origin: germline. Affected: yes. Observed: 1 variant allele.
Comment: BPTF: PM2:Supporting, BP4, BP7

Blueprint Genetics
Classification: Likely benign. Last evaluated: 2019-09-26. Review status: criteria provided, single submitter. Criteria: ACMG Guidelines, 2015. Collection method: clinical testing. Allele origin: germline.